The following is an entry in ClinVar:

NM_000135.4(FANCA):c.1315C>A (p.Leu439Met)

Gene: FANCA (FA complementation group A; minus strand). Cytogenetic location: 16q24.3.
Variant type: single nucleotide variant.
Coding change: c.1315C>A on transcript NM_000135.4 (MANE Select); coding-DNA position 1315, C replaced by A.
Protein change: p.Leu439Met; replaces leucine 439 with methionine.
Molecular consequence: missense variant.
Genome position (GRCh38, 1-based): chr16:89,791,447, G>T on the plus strand (C>A on the coding strand, the complement: FANCA is on the minus strand). VCF-style: chr16-89791447-G-T. GRCh37 (hg19) VCF-style: chr16-89857855-G-T.
Other names: c.1315C>A (LRG_495t1); c.1315C>A, p.Leu439Met (NM_001286167.3); short protein forms L439M.
Identifiers: ClinVar variation 526354 (VCV000526354.8), dbSNP rs1307948857, ClinGen allele CA397463908.

ClinVar aggregate classification (germline): Uncertain significance. Review status: criteria provided, multiple submitters, no conflicts (2 of 4 stars). 3 submissions from 3 submitters: Uncertain significance (2). 1 of the submissions does not count toward it. Last evaluated 2025-06-21.

Conditions:
Fanconi anemia (FA). Also called: Fanconi's anemia. Identifiers: Orphanet 84, MedGen C0015625, MeSH D005199, MONDO:0019391.
Inborn genetic diseases. Identifiers: MedGen C0950123, MeSH D030342.
Fanconi anemia complementation group A (FANCA). Also called: FANCA-Related Fanconi Anemia; Fanconi anemia, group A. Identifiers: Orphanet 84, MedGen C3469521, MONDO:0009215, OMIM 227650.

Allele frequency attached by ClinVar (database versions not stated): TOPMed below 0.00001.
gnomAD v4.1: 1 of 1,614,154 alleles (0.000062%); highest among the groups gnomAD compares: Admixed American, 0.0017%; no homozygotes.

Submissions (3):

Ambry Genetics
Classification: Uncertain significance for Inborn genetic diseases. Last evaluated: 2025-06-21. Review status: criteria provided, single submitter. Criteria: Ambry Variant Classification Scheme 2023. Collection method: clinical testing. Allele origin: germline.
Comment: The p.L439M variant (also known as c.1315C>A), located in coding exon 14 of the FANCA gene, results from a C to A substitution at nucleotide position 1315. The leucine at codon 439 is replaced by methionine, an amino acid with highly similar properties. This amino acid position is conserved. In addition, the in silico prediction for this alteration is inconclusive. Based on the available evidence, the clinical significance of this variant remains unclear.

Labcorp Genetics (formerly Invitae), Labcorp
Classification: Uncertain significance for Fanconi anemia. Last evaluated: 2022-07-06. Review status: criteria provided, single submitter. Criteria: Invitae Variant Classification Sherloc (09022015). Collection method: clinical testing. Allele origin: germline.
Comment: This sequence change replaces leucine, which is neutral and non-polar, with methionine, which is neutral and non-polar, at codon 439 of the FANCA protein (p.Leu439Met). This variant is present in population databases (no rsID available, gnomAD 0.003%). This variant has not been reported in the literature in individuals affected with FANCA-related conditions. ClinVar contains an entry for this variant (Variation ID: 526354). Algorithms developed to predict the effect of missense changes on protein structure and function are either unavailable or do not agree on the potential impact of this missense change (SIFT: "Deleterious"; PolyPhen-2: "Possibly Damaging"; Align-GVGD: "Class C0"). In summary, the available evidence is currently insufficient to determine the role of this variant in disease. Therefore, it has been classified as a Variant of Uncertain Significance.

Natera, Inc.
Classification: Uncertain significance for Fanconi anemia, group A. Last evaluated: 2020-09-16. Review status: no assertion criteria provided. Collection method: clinical testing. Allele origin: germline. Not counted in ClinVar's aggregate classification.